The following is an entry in ClinVar:

NM_001127173.3(CADM3):c.383del

Gene: CADM3 (cell adhesion molecule 3; plus strand). Cytogenetic location: 1q23.2.
Variant type: Deletion.
Coding change: c.383del on transcript NM_001127173.3 (MANE Select); coding-DNA position 383, one base deleted (G; older notation c.383delG).
Molecular consequence: splice acceptor variant.
Genome position (GRCh38, 1-based): chr1:159,193,423, G deleted; the last of 2 consecutive G bases (chr1:159,193,422-159,193,423); deleting either gives the same sequence. VCF-style (leftmost placement, unchanged base first): chr1-159193421-AG-A. GRCh37 (hg19) VCF-style: chr1-159163211-AG-A.
Identifiers: ClinVar variation 1712342 (VCV001712342.1), dbSNP rs2525599145, ClinGen allele CA2580061240.

ClinVar aggregate classification (germline): Uncertain significance (1 of 4 stars; one submission).

Conditions:
Charcot-Marie-Tooth disease, axonal, type 2FF. Also called: CHARCOT-MARIE-TOOTH NEUROPATHY, TYPE 2FF. Identifiers: MedGen C5561981, MONDO:0030433, OMIM 619519.

Submission:

Institute of Human Genetics, University of Leipzig Medical Center
Classification: Uncertain significance for Charcot-Marie-Tooth disease, axonal, type 2FF. Last evaluated: 2022-10-26. Review status: criteria provided, single submitter. Criteria: ACMG Guidelines, 2015. Collection method: clinical testing. Allele origin: unknown. Affected: yes.
Comment: According to in silico predictions, this variant might rather impact splicing and could lead to an in-frame skipping of Exon 4 containing parts of the _x000D_functional C2-type 1 domain. Criteria applied: PVS1_STR, PM2_SUP